The following is an entry in ClinVar:

ClinVar aggregate classification (germline): Likely benign. Review status: criteria provided, multiple submitters, no conflicts (2 of 4 stars). 4 submissions from 4 submitters: Likely benign (4). Last evaluated 2024-07-10.

Conditions:
Multiple endocrine neoplasia, type 2 (MEN2). Identifiers: Orphanet 653, MedGen C4048306, MONDO:0019003. Disease mechanism: gain of function.
Hereditary cancer-predisposing syndrome. Also called: Tumor predisposition; Hereditary Cancer Syndrome; Hereditary neoplastic syndrome; Neoplastic Syndromes, Hereditary. Identifiers: Orphanet 140162, MedGen C0027672, MeSH D009386, MONDO:0015356.

Allele frequency attached by ClinVar (database versions not stated): TOPMed below 0.00001; gnomAD exomes 0.00001.
gnomAD v4.1: 11 of 1,611,670 alleles (0.00068%); highest among the groups gnomAD compares: South Asian, 0.011%; no homozygotes.

Submissions (4):

All of Us Research Program, National Institutes of Health
Classification: Likely benign for Multiple endocrine neoplasia, type 2. Last evaluated: 2024-07-10. Review status: criteria provided, single submitter. Criteria: ACMG Guidelines, 2015. Collection method: clinical testing. Allele origin: germline. Inheritance: Autosomal dominant inheritance. Observed: 2 variant alleles, 2 heterozygotes.
Comment: This study involves interpretation of variants in research participants for the purpose of population health screening. Participant phenotype was not available at the time of variant classification. Additional details can be found in publication PMID: 35346344, PMCID: PMC8962531

Ambry Genetics
Classification: Likely benign for Hereditary cancer-predisposing syndrome. Last evaluated: 2023-01-31. Review status: criteria provided, single submitter. Criteria: Ambry Variant Classification Scheme 2023. Collection method: clinical testing. Allele origin: germline.

Color Diagnostics, LLC DBA Color Health
Classification: Likely benign for Multiple endocrine neoplasia, type 2. Last evaluated: 2022-11-06. Review status: criteria provided, single submitter. Criteria: ACMG Guidelines, 2015. Collection method: clinical testing. Allele origin: germline.

Labcorp Genetics (formerly Invitae), Labcorp
Classification: Likely benign for Multiple endocrine neoplasia, type 2. Last evaluated: 2021-07-19. Review status: criteria provided, single submitter. Criteria: Invitae Variant Classification Sherloc (09022015). Collection method: clinical testing. Allele origin: germline.

NM_020975.6(RET):c.1515G>A (p.Glu505=)

Gene: RET (ret proto-oncogene; plus strand). Cytogenetic location: 10q11.21.
Variant type: single nucleotide variant.
Coding change: c.1515G>A on transcript NM_020975.6 (MANE Select); coding-DNA position 1515, G replaced by A.
Protein change: p.Glu505=; no amino-acid change (glutamic acid 505 retained).
Molecular consequence: synonymous variant. On other transcripts: intron variant (15).
Genome position (GRCh38, 1-based): chr10:43,111,458, G>A. VCF-style: chr10-43111458-G-A. GRCh37 (hg19) VCF-style: chr10-43606906-G-A.
Other names: c.1515G>A, p.Glu505= (NM_000323.2, NM_001406743.1, NM_001406744.1 and 6 more transcripts); c.753G>A, p.Glu251= (NM_001355216.2); c.1386G>A, p.Glu462= (NM_001406761.1, NM_001406762.1, NM_001406764.1 and 1 more transcripts); c.1227G>A, p.Glu409= (NM_001406766.1, NM_001406767.1, NM_001406770.1); c.1119G>A, p.Glu373= (NM_001406769.1, NM_001406772.1); c.1077G>A, p.Glu359= (NM_001406771.1, NM_001406773.1); c.990G>A, p.Glu330= (NM_001406774.1); c.789G>A, p.Glu263= (NM_001406775.1, NM_001406776.1, NM_001406777.1 and 1 more transcripts); and 5 more.
Identifiers: ClinVar variation 1566323 (VCV001566323.13), dbSNP rs924204743, ClinGen allele CA206261418.
Genomic context (GRCh38, chr10:43,111,458, plus strand): 5'-GGTGGCCACCGACCAGCAGACCTCTAGGCAGGCCCAGGCCCAGCTGCTTGTAACAGTGGA[G>A]GGGTCATGTGAGTGCCTGCTCCAGGGAGGGAGGGTCGGGGTCCTGGGGGCTTCTGGAGCC-3'
Protein context (NP_066124.1, residues 495-515): QAQAQLLVTV[Glu505=]GSYVAEEAGC